The following is an entry in ClinVar:

ClinVar aggregate classification (germline): Likely benign. Review status: criteria provided, multiple submitters, no conflicts (2 of 4 stars). 2 submissions from 2 submitters: Likely benign (2). Last evaluated 2017-04-27.

Conditions:
Intellectual developmental disorder, autosomal recessive 1. Also called: Intellectual disability, autosomal recessive 1; MENTAL RETARDATION, AUTOSOMAL RECESSIVE 1. Identifiers: Orphanet 88616, MedGen C1855304, MONDO:0009580, OMIM 249500.

Allele frequency attached by ClinVar (database versions not stated): gnomAD 0.06124 and 0.06175; gnomAD exomes 0.25000; 1000 Genomes Project 0.02915; TOPMed 0.05395.
gnomAD v4.1: 9,303 of 152,172 alleles (6.1%); highest among the groups gnomAD compares: Non-Finnish European, 9.2%; 385 homozygotes.

Submissions (2):

Illumina Laboratory Services, Illumina
Classification: Likely benign for Intellectual developmental disorder, autosomal recessive 1. Last evaluated: 2017-04-27. Review status: criteria provided, single submitter. Criteria: ICSL Variant Classification Criteria 13 December 2019. Collection method: clinical testing. Allele origin: germline.
Comment: This variant was observed as part of a predisposition screen in an ostensibly healthy population. A literature search was performed for the gene, cDNA change, and amino acid change (where applicable). No publications were found based on this search. Allele frequency data from public databases allowed determination this variant is unlikely to cause disease. Therefore, this variant is classified as likely benign.

Breakthrough Genomics
Classification: Likely benign. Review status: criteria provided, single submitter. Criteria: ACMG Guidelines, 2015. Collection method: not provided. Allele origin: germline. Inheritance: Autosomal recessive inheritance. Affected: yes.

NM_003619.4(PRSS12):c.*807G>A

Gene: PRSS12 (serine protease 12; minus strand). Cytogenetic location: 4q26.
Variant type: single nucleotide variant.
Coding change: c.*807G>A on transcript NM_003619.4 (MANE Select); 807 bases downstream of the stop codon, G replaced by A.
Molecular consequence: 3 prime UTR variant.
Genome position (GRCh38, 1-based): chr4:118,281,129, C>T on the plus strand (G>A on the coding strand, the complement: PRSS12 is on the minus strand). VCF-style: chr4-118281129-C-T. GRCh37 (hg19) VCF-style: chr4-119202284-C-T.
Identifiers: ClinVar variation 347378 (VCV000347378.6), dbSNP rs17516164, ClinGen allele CA10619971.